The following is an entry in ClinVar:

ClinVar aggregate classification (germline): Benign/Likely benign. Review status: criteria provided, multiple submitters, no conflicts (2 of 4 stars). 6 submissions from 6 submitters: Benign (2); Likely benign (2). 2 of the submissions do not count toward it. Last evaluated 2025-12-29.

Conditions:
Candidiasis, familial, 8 (CANDF8). Identifiers: Orphanet 1334, MedGen C3714992, MONDO:0014230, OMIM 615527.
Psoriasis 13, susceptibility to. Identifiers: MedGen C3279754, MONDO:0013554, OMIM 614070.

Allele frequency attached by ClinVar (database versions not stated): TOPMed 0.00097; gnomAD 0.00105 and 0.00110; gnomAD exomes 0.00129 and 0.00156; ESP Exome Variant Server 0.00131; 1000 Genomes Project 0.00140; ExAC 0.00143; 1000 Genomes Project 30x 0.00156.
gnomAD v4.1: 2,090 of 1,614,266 alleles (0.13%); highest among the groups gnomAD compares: South Asian, 0.3%; 4 homozygotes.

Submissions (6):

Labcorp Genetics (formerly Invitae), Labcorp
Classification: Benign for Candidiasis, familial, 8. Last evaluated: 2025-12-29. Review status: criteria provided, single submitter. Criteria: Invitae Variant Classification Sherloc (09022015). Collection method: clinical testing. Allele origin: germline.

Blueprint Genetics
Classification: Likely benign. Last evaluated: 2024-09-17. Review status: criteria provided, single submitter. Criteria: ACMG Guidelines, 2015. Collection method: clinical testing. Allele origin: germline.

CeGaT Center for Human Genetics Tuebingen
Classification: Benign. Last evaluated: 2022-07-01. Review status: criteria provided, single submitter. Criteria: CeGaT Center For Human Genetics Tuebingen Variant Classification Criteria Version 2. Collection method: clinical testing. Allele origin: germline. Affected: yes. Observed: 1 variant allele.
Comment: TRAF3IP2: BP4, BS1, BS2

Center for Genomics, Ann and Robert H. Lurie Children's Hospital of Chicago
Classification: Likely benign for Candidiasis, familial, 8; Psoriasis 13, susceptibility to. Review status: criteria provided, single submitter. Criteria: ACMG Guidelines, 2015. Collection method: clinical testing. Allele origin: germline.
Comment: This variant has not been reported in the literature but is present in the Genome Aggregation Database (Highest reported MAF: 1.3% [130/10368], including in 2 homozygotes ), and in ClinVar, with multiple laboratories classifying it as benign (Variation ID: 541100). Evolutionary conservation and computational predictive tools suggest that this variant may not impact the protein. In summary, data on this variant suggests that this variant does not cause disease but requires further evidence. Therefore, this variant is classified as likely benign.

Clinical Genetics DNA and cytogenetics Diagnostics Lab, Erasmus MC, Erasmus Medical Center
Classification: Likely benign. Review status: no assertion criteria provided. Collection method: clinical testing. Allele origin: germline. Affected: yes. Study: VKGL Data-share Consensus. Not counted in ClinVar's aggregate classification.

Genome Diagnostics Laboratory, University Medical Center Utrecht
Classification: Likely benign. Review status: no assertion criteria provided. Collection method: clinical testing. Allele origin: germline. Affected: yes. Study: VKGL Data-share Consensus. Not counted in ClinVar's aggregate classification.

NM_147686.4(TRAF3IP2):c.281G>A (p.Ser94Asn)

Genes: TRAF3IP2 (TRAF3 interacting protein 2; minus strand), TRAF3IP2-AS1 (TRAF3IP2 antisense RNA 1; plus strand), LOC114803478 (TRAF3IP2 eExon liver enhancer; plus strand). Cytogenetic location: 6q21.
Variant type: single nucleotide variant.
Coding change: c.281G>A on transcript NM_147686.4 (MANE Select); coding-DNA position 281, G replaced by A.
Protein change: p.Ser94Asn; replaces serine 94 with asparagine.
Molecular consequence: missense variant.
Genome position (GRCh38, 1-based): chr6:111,591,806, C>T on the plus strand (G>A on the coding strand, the complement: TRAF3IP2 is on the minus strand). VCF-style: chr6-111591806-C-T. GRCh37 (hg19) VCF-style: chr6-111913009-C-T.
Other names: c.281G>A, p.Ser94Asn (NM_001164281.3); c.308G>A, p.Ser103Asn (NM_147200.3); short protein forms S94N, S103N.
Identifiers: ClinVar variation 541100 (VCV000541100.39), dbSNP rs61756667, ClinGen allele CA3963348.
Genomic context (GRCh38, chr6:111,591,806, plus strand): 5'-CTGACTGCAGAGCACCCAGAAGGGAAAGCTTTGCCCAGGCCTGGGTGTCTCCTGCAGAAA[C>T]TGTCTTCACTGTCCTCCAGAACTTGAGTGCGCAGGCAGGTGACCTGCCGGGATACAGGCC-3'
Protein context (NP_679211.2, residues 84-104): RTQVLEDSED[Ser94Asn]FCRRHPGLGK